The following is an entry in ClinVar:

NM_053025.4(MYLK):c.3561G>A (p.Val1187=)

Gene: MYLK (myosin light chain kinase; minus strand). Cytogenetic location: 3q21.1.
Variant type: single nucleotide variant.
Coding change: c.3561G>A on transcript NM_053025.4 (MANE Select); coding-DNA position 3561, G replaced by A.
Protein change: p.Val1187=; no amino-acid change (valine 1187 retained).
Molecular consequence: synonymous variant.
Genome position (GRCh38, 1-based): chr3:123,692,739, C>T on the plus strand (G>A on the coding strand, the complement: MYLK is on the minus strand). VCF-style: chr3-123692739-C-T. GRCh37 (hg19) VCF-style: chr3-123411586-C-T.
Other names: c.3033G>A, p.Val1011= (NM_001321309.2); c.3354G>A, p.Val1118= (NM_053026.4, NM_053028.4); c.3561G>A, p.Val1187= (NM_053027.4).
Identifiers: ClinVar variation 1489291 (VCV001489291.7), dbSNP rs376658664, ClinGen allele CA069777.
Genomic context (GRCh38, chr3:123,692,739, plus strand): 5'-GGCTGAGAAATGGGACCCCTGTGTATGGGTGGCGGCGATGGGTGGGCACGACCTACCATC[C>T]ACGGTGACTTGGCAGGAGCACTCCGCCTGGCCAGCGTCATTCTTGGCTACACACTTGTAT-3'
Protein context (NP_444253.3, residues 1177-1197): GQAECSCQVT[Val1187=]DDAPASENTK

ClinVar aggregate classification (germline): Benign/Likely benign. Review status: criteria provided, multiple submitters, no conflicts (2 of 4 stars). 2 submissions from 2 submitters: Benign (1); Likely benign (1). Last evaluated 2026-06-17.

Conditions:
Aortic aneurysm, familial thoracic 7 (AAT7). Also called: AORTIC DISSECTION, FAMILIAL, WITH OR WITHOUT AORTIC ANEURYSM. Identifiers: MedGen C3151077, MONDO:0013418, OMIM 613780.

Allele frequency attached by ClinVar (database versions not stated): gnomAD 0.00001; TOPMed 0.00001; gnomAD exomes 0.00002 and 0.00001; ESP Exome Variant Server 0.00008; ExAC 0.00002.
gnomAD v4.1: 11 of 1,612,942 alleles (0.00068%); highest among the groups gnomAD compares: Admixed American, 0.017%; no homozygotes.

Submissions (2):

Women's Health and Genetics/Laboratory Corporation of America, LabCorp
Classification: Benign. Last evaluated: 2026-06-17. Review status: criteria provided, single submitter. Criteria: LabCorp Variant Classification Summary - May 2015. Collection method: clinical testing. Allele origin: germline.
Comment: Variant summary: MYLK c.3561G>A alters a conserved nucleotide resulting in a synonymous change. Consensus agreement among computation tools predict no significant impact on normal splicing. However, these predictions have yet to be confirmed by functional studies. The variant allele was found at a frequency of 6.8e-06 in 1612942 control chromosomes, predominantly at a frequency of 0.00017 within the Latino subpopulation in the gnomAD database. The observed variant frequency within Latino control individuals in the gnomAD database exceeds the estimated maximal expected allele frequency for disease-causing variants in MYLK. To our knowledge, no occurrence of c.3561G>A in individuals affected with MYLK-related conditions and no experimental evidence demonstrating its impact on protein function have been reported. ClinVar contains an entry for this variant (Variation ID: 1489291). Based on the evidence outlined above, the variant was classified as benign.

Labcorp Genetics (formerly Invitae), Labcorp
Classification: Likely benign for Aortic aneurysm, familial thoracic 7. Last evaluated: 2024-06-26. Review status: criteria provided, single submitter. Criteria: Invitae Variant Classification Sherloc (09022015). Collection method: clinical testing. Allele origin: germline.